The following is an entry in ClinVar:

NM_001371928.1(AHDC1):c.3104CCT[1] (p.Ser1036del)

Gene: AHDC1 (AT-hook DNA binding motif containing 1; minus strand). Cytogenetic location: 1p36.11.
Variant type: Microsatellite.
Coding change: c.3104CCT[1] on transcript NM_001371928.1 (MANE Select); one copy of the 3-base unit CCT starting at c.3104; the reference has two copies in a row; one copy, 3 bases deleted.
Protein change: p.Ser1036del; deletes serine 1036.
Molecular consequence: inframe deletion.
Genome position (GRCh38, 1-based): chr1:27,549,007-27,549,009, AGG deleted on the plus strand (CCT on the coding strand, the reverse complement: AHDC1 is on the minus strand); deleting any 3 consecutive bases within chr1:27,549,007-27,549,012 gives the same sequence; the position shown is the placement nearest the transcript's 3' end. VCF-style (leftmost placement, unchanged base first): chr1-27549006-AAGG-A. GRCh37 (hg19) VCF-style: chr1-27875517-AAGG-A.
Other names: c.3107_3109delCCT (NM_001029882.3); c.3104CCT[1], p.Ser1036del (NM_001029882.3); short protein forms S1036del.
Identifiers: ClinVar variation 1170506 (VCV001170506.15), dbSNP rs111827498, ClinGen allele CA715620.

ClinVar aggregate classification (germline): Benign. Review status: criteria provided, multiple submitters, no conflicts (2 of 4 stars). 4 submissions from 4 submitters: Benign (3). 1 of the submissions does not count toward it. Last evaluated 2026-02-03.

Conditions:
AHDC1-related disorder. Also called: AHDC1-related condition.
AHDC1-related intellectual disability - obstructive sleep apnea - mild dysmorphism syndrome. Also called: Xia-Gibbs syndrome. Identifiers: Orphanet 412069, MedGen C4014419, MONDO:0014358, OMIM 615829.

Submissions (4):

Labcorp Genetics (formerly Invitae), Labcorp
Classification: Benign. Last evaluated: 2026-02-03. Review status: criteria provided, single submitter. Criteria: Invitae Variant Classification Sherloc (09022015). Collection method: clinical testing. Allele origin: germline.

Genome-Nilou Lab
Classification: Benign for AHDC1-related intellectual disability - obstructive sleep apnea - mild dysmorphism syndrome. Last evaluated: 2021-12-05. Review status: criteria provided, single submitter. Criteria: ACMG Guidelines, 2015. Collection method: clinical testing. Allele origin: germline. Affected: no.

GeneDx
Classification: Benign. Last evaluated: 2018-10-17. Review status: criteria provided, single submitter. Criteria: GeneDx Variant Classification Process June 2021. Collection method: clinical testing. Allele origin: germline. Affected: yes.

PreventionGenetics, part of Exact Sciences
Classification: Benign for AHDC1-related condition. Last evaluated: 2019-10-07. Review status: no assertion criteria provided. Collection method: clinical testing. Allele origin: germline. Not counted in ClinVar's aggregate classification.
Comment: This variant is classified as benign based on ACMG/AMP sequence variant interpretation guidelines (Richards et al. 2015 PMID: 25741868, with internal and published modifications).